The following is an entry in ClinVar:

NM_021620.4(PRDM13):c.972C>G (p.Leu324=)

Genes: PRDM13 (PR/SET domain 13; plus strand), LOC129996881 (ATAC-STARR-seq lymphoblastoid silent region 17422; plus strand). Cytogenetic location: 6q16.2.
Variant type: single nucleotide variant.
Coding change: c.972C>G on transcript NM_021620.4 (MANE Select); coding-DNA position 972, C replaced by G.
Protein change: p.Leu324=; no amino-acid change (leucine 324 retained).
Molecular consequence: synonymous variant.
Genome position (GRCh38, 1-based): chr6:99,613,607, C>G. VCF-style: chr6-99613607-C-G. GRCh37 (hg19) VCF-style: chr6-100061483-C-G.
Other names: c.972C>G (NM_021620.3).
Identifiers: ClinVar variation 1091407 (VCV001091407.16), dbSNP rs745904479, ClinGen allele CA3936308.

ClinVar aggregate classification (germline): Likely benign. Review status: criteria provided, multiple submitters, no conflicts (2 of 4 stars). 4 submissions from 4 submitters: Likely benign (3). 1 of the submissions does not count toward it. Last evaluated 2026-01-01.

Conditions:
PRDM13-related disorder. Also called: PRDM13-related condition.

Allele frequency attached by ClinVar (database versions not stated): gnomAD exomes 0.00007 and 0.00023; gnomAD 0.00009 and 0.00010; TOPMed 0.00016.

Submissions (4):

CeGaT Center for Human Genetics Tuebingen
Classification: Likely benign. Last evaluated: 2026-01-01. Review status: criteria provided, single submitter. Criteria: CeGaT Center For Human Genetics Tuebingen Variant Classification Criteria Version 2. Collection method: clinical testing. Allele origin: germline. Affected: yes. Observed: 1 variant allele.
Comment: PRDM13: BP4, BP7

Labcorp Genetics (formerly Invitae), Labcorp
Classification: Likely benign. Last evaluated: 2025-10-21. Review status: criteria provided, single submitter. Criteria: Invitae Variant Classification Sherloc (09022015). Collection method: clinical testing. Allele origin: germline.

Blueprint Genetics
Classification: Likely benign. Last evaluated: 2024-10-16. Review status: criteria provided, single submitter. Criteria: ACMG Guidelines, 2015. Collection method: clinical testing. Allele origin: germline.

PreventionGenetics, part of Exact Sciences
Classification: Likely benign for PRDM13-related condition. Last evaluated: 2023-06-13. Review status: no assertion criteria provided. Collection method: clinical testing. Allele origin: germline. Not counted in ClinVar's aggregate classification.
Comment: This variant is classified as likely benign based on ACMG/AMP sequence variant interpretation guidelines (Richards et al. 2015 PMID: 25741868, with internal and published modifications).